The following is an entry in ClinVar:

ClinVar aggregate classification (germline): Uncertain significance. Review status: criteria provided, multiple submitters, no conflicts (2 of 4 stars). 2 submissions from 2 submitters: Uncertain significance (2). Last evaluated 2026-05-11.

Conditions:
Inborn genetic diseases. Identifiers: MedGen C0950123, MeSH D030342.

gnomAD v4.1: 4 of 1,537,490 alleles (0.00026%); highest among the groups gnomAD compares: Non-Finnish European, 0.00026%; no homozygotes.

Submissions (2):

Ambry Genetics
Classification: Uncertain significance for Inborn genetic diseases. Last evaluated: 2026-05-11. Review status: criteria provided, single submitter. Criteria: Ambry Variant Classification Scheme 2023. Collection method: clinical testing. Allele origin: germline.

Labcorp Genetics (formerly Invitae), Labcorp
Classification: Uncertain significance. Last evaluated: 2025-09-03. Review status: criteria provided, single submitter. Criteria: Invitae Variant Classification Sherloc (09022015). Collection method: clinical testing. Allele origin: germline.
Comment: This sequence change replaces lysine, which is basic and polar, with arginine, which is basic and polar, at codon 1031 of the PIEZO2 protein (p.Lys1031Arg). This variant is present in population databases (no rsID available, gnomAD 0.003%). This variant has not been reported in the literature in individuals affected with PIEZO2-related conditions. Invitae Evidence Modeling of protein sequence and biophysical properties (such as structural, functional, and spatial information, amino acid conservation, physicochemical variation, residue mobility, and thermodynamic stability) indicates that this missense variant is not expected to disrupt PIEZO2 protein function with a negative predictive value of 80%. Algorithms developed to predict the effect of sequence changes on RNA splicing suggest that this variant may disrupt the consensus splice site. In summary, the available evidence is currently insufficient to determine the role of this variant in disease. Therefore, it has been classified as a Variant of Uncertain Significance.

NM_001378183.1(PIEZO2):c.3167A>G (p.Lys1056Arg)

Gene: PIEZO2 (piezo type mechanosensitive ion channel component 2; minus strand). Cytogenetic location: 18p11.22.
Variant type: single nucleotide variant.
Coding change: c.3167A>G on transcript NM_001378183.1 (MANE Select); coding-DNA position 3167, A replaced by G.
Protein change: p.Lys1056Arg; replaces lysine 1056 with arginine.
Molecular consequence: missense variant.
Genome position (GRCh38, 1-based): chr18:10,762,582, T>C on the plus strand (A>G on the coding strand, the complement: PIEZO2 is on the minus strand). VCF-style: chr18-10762582-T-C. GRCh37 (hg19) VCF-style: chr18-10762580-T-C.
Other names: c.3092A>G (NM_022068.2); c.3167A>G, p.Lys1056Arg (NM_001410871.1); c.3092A>G, p.Lys1031Arg (NM_022068.4); short protein forms K1056R, K1031R.
Identifiers: ClinVar variation 4776093 (VCV004776093.2).
Genomic context (GRCh38, chr18:10,762,582, plus strand): 5'-GAAGACTTCCGCAGGCCGACCCACTCTGTAGGATCGATAGGAGCGCTGTAGAGCAGAGAC[T>C]TGTTCAACTCATTAAAGGGGATGTTTGTTTGATTTTCATTTGGCTAAAAAGAAGAGAAAA-3'
Protein context (NP_001365112.1, residues 1046-1066): QTNIPFNELN[Lys1056Arg]SLLYSAPIDP